The following is an entry in ClinVar:

NM_007194.4(CHEK2):c.1414A>C (p.Lys472Gln)

Gene: CHEK2 (checkpoint kinase 2; minus strand). Cytogenetic location: 22q12.1.
Variant type: single nucleotide variant.
Coding change: c.1414A>C on transcript NM_007194.4 (MANE Select); coding-DNA position 1414, A replaced by C.
Protein change: p.Lys472Gln; replaces lysine 472 with glutamine.
Molecular consequence: missense variant.
Genome position (GRCh38, 1-based): chr22:28,694,079, T>G on the plus strand (A>C on the coding strand, the complement: CHEK2 is on the minus strand). VCF-style: chr22-28694079-T-G. GRCh37 (hg19) VCF-style: chr22-29090067-T-G.
Other names: c.1543A>C, p.Lys515Gln (NM_001005735.3); c.751A>C, p.Lys251Gln (NM_001257387.3); c.1213A>C, p.Lys405Gln (NM_001349956.3); c.1327A>C, p.Lys443Gln (NM_145862.3); short protein forms K472Q, K405Q, K443Q, K515Q, K251Q.
Identifiers: ClinVar variation 1038702 (VCV001038702.10), dbSNP rs2052470344, ClinGen allele CA411094325.
Genomic context (GRCh38, chr22:28,694,079, plus strand): 5'-GTCCCACACCCACCTGAAGCCACGGGTGTCTTAAGGCTTCTTCTGTCGTAAAACGTGCCT[T>G]TGGATCCACTACCAACAACTTCTTGACAAGGTCCAGAGCTAAAGCAACAATTGGGCAAAT-3'
Protein context (NP_009125.1, residues 462-482): LVKKLLVVDP[Lys472Gln]ARFTTEEALR

ClinVar aggregate classification (germline): Uncertain significance. Review status: criteria provided, multiple submitters, no conflicts (2 of 4 stars). 2 submissions from 2 submitters: Uncertain significance (2). Last evaluated 2026-08-06.

Conditions:
CHEK2-related cancer predisposition (TPDS4). Also called: TUMOR PREDISPOSITION SYNDROME 4; CANCER PREDISPOSITION SYNDROME, CHEK2-RELATED; CHEK2-related cancer susceptibility. Identifiers: Orphanet 524, MedGen C5882668, MONDO:0700271, OMIM 609265.
Familial cancer of breast. Also called: BREAST CANCER, FAMILIAL; Hereditary breast cancer; hereditary breast carcinoma. Identifiers: Orphanet 227535, MedGen C0346153, MONDO:0016419, OMIM 114480. Disease mechanism: loss of function.

Submissions (2):

OLLIN Analises Genomicas, OLLIN
Classification: Uncertain significance for CHEK2-related cancer predisposition. Last evaluated: 2026-08-06. Review status: criteria provided, single submitter. Criteria: ACMG Guidelines 2015 PMID 25741868. Collection method: clinical testing. Allele origin: germline.
Comment: This missense variant, located in exon 13 (of 15), is absent from gnomAD and has not been identified in the literature. However, it has been reported in ClinVar (accession VCV001038702.9). In silico analysis predicts that this variant has a tolerated effect. According to the currently available evidence, this variant has been classified as uncertain significance (PM2_P, BP4_M).

Labcorp Genetics (formerly Invitae), Labcorp
Classification: Uncertain significance for Familial cancer of breast. Last evaluated: 2025-07-13. Review status: criteria provided, single submitter. Criteria: Invitae Variant Classification Sherloc (09022015). Collection method: clinical testing. Allele origin: germline.
Comment: This sequence change replaces lysine, which is basic and polar, with glutamine, which is neutral and polar, at codon 472 of the CHEK2 protein (p.Lys472Gln). This variant is not present in population databases (gnomAD no frequency). This variant has not been reported in the literature in individuals affected with CHEK2-related conditions. ClinVar contains an entry for this variant (Variation ID: 1038702). An algorithm developed to predict the effect of missense changes on protein structure and function (PolyPhen-2) suggests that this variant is likely to be tolerated. In summary, the available evidence is currently insufficient to determine the role of this variant in disease. Therefore, it has been classified as a Variant of Uncertain Significance.